The following is an entry in ClinVar:

ClinVar aggregate classification (germline): Benign. Review status: criteria provided, multiple submitters, no conflicts (2 of 4 stars). 2 submissions from 2 submitters: Benign (2). Last evaluated 2018-01-12.

Conditions:
Autosomal recessive nonsyndromic hearing loss 6. Also called: NEUROSENSORY NONSYNDROMIC RECESSIVE DEAFNESS 6. Identifiers: Orphanet 90636, MedGen C1832992, MONDO:0010965, OMIM 600971.

Allele frequency attached by ClinVar (database versions not stated): gnomAD exomes 0.05882; TOPMed 0.07135; gnomAD 0.07485 and 0.07546; 1000 Genomes Project 30x 0.07495; 1000 Genomes Project 0.07708.
gnomAD v4.1: 11,485 of 152,196 alleles (7.5%); highest among the groups gnomAD compares: East Asian, 15%; 628 homozygotes.

Submissions (11):

Illumina Laboratory Services, Illumina
Classification: Benign for Autosomal recessive nonsyndromic hearing loss 6. Last evaluated: 2018-01-12. Review status: criteria provided, single submitter. Criteria: ICSL Variant Classification Criteria 13 December 2019. Collection method: clinical testing. Allele origin: germline.
Comment: This variant was observed in the ICSL laboratory as part of a predisposition screen in an ostensibly healthy population. It had not been previously curated by ICSL or reported in the Human Gene Mutation Database (HGMD: prior to June 1st, 2018), and was therefore a candidate for classification through an automated scoring system. Utilizing variant allele frequency, disease prevalence and penetrance estimates, and inheritance mode, an automated score was calculated to assess if this variant is too frequent to cause the disease. Based on the score and internal cut-off values, a variant classified as benign is not then subjected to further curation. The score for this variant resulted in a classification of benign for this disease.

Breakthrough Genomics
Classification: Benign. Review status: criteria provided, single submitter. Criteria: ACMG Guidelines, 2015. Collection method: not provided. Allele origin: germline. Inheritance: Autosomal recessive inheritance. Affected: yes.

Dr. Peter K. Rogan Lab, Western University
No classification provided (evidence only). Condition: Hepatocellular carcinoma. Review status: no classification provided. Collection method: in vitro. Allele origin: not applicable. Functional consequence: retained intron. Not counted in ClinVar's aggregate classification.

Dr. Peter K. Rogan Lab, Western University
No classification provided (evidence only). Condition: Hepatocellular carcinoma. Review status: no classification provided. Collection method: in vitro. Allele origin: not applicable. Functional consequence: retained intron. Not counted in ClinVar's aggregate classification.

Dr. Peter K. Rogan Lab, Western University
No classification provided (evidence only). Condition: Hepatocellular carcinoma. Review status: no classification provided. Collection method: in vitro. Allele origin: not applicable. Functional consequence: retained intron. Not counted in ClinVar's aggregate classification.

Dr. Peter K. Rogan Lab, Western University
No classification provided (evidence only). Condition: Hepatocellular carcinoma. Review status: no classification provided. Collection method: in vitro. Allele origin: not applicable. Functional consequence: retained intron. Not counted in ClinVar's aggregate classification.

Dr. Peter K. Rogan Lab, Western University
No classification provided (evidence only). Condition: Ovarian cancer. Review status: no classification provided. Collection method: in vitro. Allele origin: not applicable. Functional consequence: retained intron. Not counted in ClinVar's aggregate classification.

Dr. Peter K. Rogan Lab, Western University
No classification provided (evidence only). Condition: Ovarian cancer. Review status: no classification provided. Collection method: in vitro. Allele origin: not applicable. Functional consequence: retained intron. Not counted in ClinVar's aggregate classification.

Dr. Peter K. Rogan Lab, Western University
No classification provided (evidence only). Condition: Ovarian cancer. Review status: no classification provided. Collection method: in vitro. Allele origin: not applicable. Functional consequence: retained intron. Not counted in ClinVar's aggregate classification.

Dr. Peter K. Rogan Lab, Western University
No classification provided (evidence only). Condition: Ovarian cancer. Review status: no classification provided. Collection method: in vitro. Allele origin: not applicable. Functional consequence: retained intron. Not counted in ClinVar's aggregate classification.

Dr. Peter K. Rogan Lab, Western University
No classification provided (evidence only). Condition: Ovarian cancer. Review status: no classification provided. Collection method: in vitro. Allele origin: not applicable. Functional consequence: retained intron. Not counted in ClinVar's aggregate classification.

NM_147196.3(TMIE):c.*975G>A

Gene: TMIE (transmembrane inner ear; plus strand). Cytogenetic location: 3p21.31.
Variant type: single nucleotide variant.
Coding change: c.*975G>A on transcript NM_147196.3 (MANE Select); 975 bases downstream of the stop codon, G replaced by A.
Molecular consequence: 3 prime UTR variant.
Genome position (GRCh38, 1-based): chr3:46,710,663, G>A. VCF-style: chr3-46710663-G-A. GRCh37 (hg19) VCF-style: chr3-46752153-G-A.
Other names: NC_000003.11:g.46752153G>A; c.*975G>A (NM_001370525.1, NM_001370524.1).
Identifiers: ClinVar variation 345559 (VCV000345559.7), dbSNP rs4683315, ClinGen allele CA10618730.
Genomic context (GRCh38, chr3:46,710,663, plus strand): 5'-CCTGCTGACCATAACAGTGCCAGCTTCTTTGCAGCTTCCTCTTCTACCATTTCCCACTAC[G>A]GGCACCTAAAAGAAGCATCTCTGACCAGAAGACAAAGGCCCAAATAGCACCTGGGGGAGG-3'